The following is an entry in ClinVar:

NM_001040108.2(MLH3):c.3762A>T (p.Leu1254Phe)

Gene: MLH3 (mutL homolog 3; minus strand). Cytogenetic location: 14q24.3.
Variant type: single nucleotide variant.
Coding change: c.3762A>T on transcript NM_001040108.2 (MANE Select); coding-DNA position 3762, A replaced by T.
Protein change: p.Leu1254Phe; replaces leucine 1254 with phenylalanine.
Molecular consequence: missense variant.
Genome position (GRCh38, 1-based): chr14:75,032,133, T>A on the plus strand (A>T on the coding strand, the complement: MLH3 is on the minus strand). VCF-style: chr14-75032133-T-A. GRCh37 (hg19) VCF-style: chr14-75498836-T-A.
Other names: c.3690A>T, p.Leu1230Phe (NM_014381.3); short protein forms L1230F, L1254F.
Identifiers: ClinVar variation 1734687 (VCV001734687.2), dbSNP rs1891090399, ClinGen allele CA390424942.
Genomic context (GRCh38, chr14:75,032,133, plus strand): 5'-GAGTCTCCTTTGTTCCTCTGTCACTGTTATCTCTAGCGGAGGAATTAGAGTAGAAGACAG[T>A]AATTTTTTCCGACCAGAGCCTTGTGCCTGTTGCTTCTCGTAGGAATCTATTGGCAGAAAG-3'
Protein context (NP_001035197.1, residues 1244-1264): QQAQGSGRKK[Leu1254Phe]LSSTLIPPLE

ClinVar aggregate classification (germline): Uncertain significance (1 of 4 stars; one submission).

Submission:

Ambry Genetics
Classification: Uncertain significance. Last evaluated: 2021-12-25. Review status: criteria provided, single submitter. Criteria: Ambry Variant Classification Scheme 2023. Collection method: clinical testing. Allele origin: germline.
Comment: The p.L1254F variant (also known as c.3762A>T), located in coding exon 7 of the MLH3 gene, results from an A to T substitution at nucleotide position 3762. The leucine at codon 1254 is replaced by phenylalanine, an amino acid with highly similar properties. This amino acid position is conserved. In addition, the in silico prediction for this alteration is inconclusive. Since supporting evidence is limited at this time, the clinical significance of this alteration remains unclear.